The following is an entry in ClinVar:

ClinVar aggregate classification (germline): Conflicting classifications of pathogenicity. Review status: criteria provided, conflicting classifications (1 of 4 stars). 3 submissions from 3 submitters: Uncertain significance (2); Likely benign (1). Last evaluated 2024-10-20.

Conditions:
Hereditary cancer-predisposing syndrome. Also called: Hereditary neoplastic syndrome; Hereditary Cancer Syndrome; Tumor predisposition; Neoplastic Syndromes, Hereditary. Identifiers: Orphanet 140162, MedGen C0027672, MeSH D009386, MONDO:0015356.
Hereditary breast ovarian cancer syndrome. Also called: BRCA1- and BRCA2-Associated Hereditary Breast and Ovarian Cancer; Hereditary breast and/or ovarian cancer syndrome; Hereditary breast and ovarian cancer syndrome; Hereditary breast and ovarian cancer; Hereditary breast and ovarian cancer syndrome (HBOC); Breast and ovarian cancer. Identifiers: Orphanet 145, MedGen C0677776, MeSH D061325, MONDO:0003582. Disease mechanism: loss of function.
Breast-ovarian cancer, familial, susceptibility to, 2 (BROVCA2). Also called: BRCA2 Hereditary Breast and Ovarian Cancer. Identifiers: Orphanet 145, MedGen C2675520, MONDO:0012933, OMIM 612555. Disease mechanism: loss of function.

Submissions (3):

Labcorp Genetics (formerly Invitae), Labcorp
Classification: Uncertain significance for Hereditary breast ovarian cancer syndrome. Last evaluated: 2024-10-20. Review status: criteria provided, single submitter. Criteria: Invitae Variant Classification Sherloc (09022015). Collection method: clinical testing. Allele origin: germline.
Comment: This sequence change replaces phenylalanine, which is neutral and non-polar, with valine, which is neutral and non-polar, at codon 1671 of the BRCA2 protein (p.Phe1671Val). This variant is not present in population databases (gnomAD no frequency). This variant has not been reported in the literature in individuals affected with BRCA2-related conditions. ClinVar contains an entry for this variant (Variation ID: 971654). Invitae Evidence Modeling of protein sequence and biophysical properties (such as structural, functional, and spatial information, amino acid conservation, physicochemical variation, residue mobility, and thermodynamic stability) indicates that this missense variant is not expected to disrupt BRCA2 protein function with a negative predictive value of 95%. In summary, the available evidence is currently insufficient to determine the role of this variant in disease. Therefore, it has been classified as a Variant of Uncertain Significance.

All of Us Research Program, National Institutes of Health
Classification: Uncertain significance for Breast-ovarian cancer, familial, susceptibility to, 2. Last evaluated: 2023-12-18. Review status: criteria provided, single submitter. Criteria: ACMG Guidelines, 2015. Collection method: clinical testing. Allele origin: germline. Inheritance: Autosomal dominant inheritance. Observed: 1 variant allele, 1 heterozygote.
Comment: This missense variant replaces phenylalanine with valine at codon 1671 of the BRCA2 protein. Computational prediction is inconclusive regarding the impact of this variant on protein structure and function (internally defined REVEL score threshold 0.5 < inconclusive < 0.7, PMID: 27666373). To our knowledge, functional studies have not been reported for this variant. This variant has not been reported in individuals affected with BRCA2-related disorders in the literature. This variant has not been identified in the general population by the Genome Aggregation Database (gnomAD). The available evidence is insufficient to determine the role of this variant in disease conclusively. Therefore, this variant is classified as a Variant of Uncertain Significance.

This study involves interpretation of variants in research participants for the purpose of population health screening. Participant phenotype was not available at the time of variant classification. Additional details can be found in publication PMID: 35346344, PMCID: PMC8962531

University of Washington Department of Laboratory Medicine, University of Washington
Classification: Likely benign for Hereditary cancer-predisposing syndrome. Last evaluated: 2023-03-23. Review status: criteria provided, single submitter. Criteria: Dines et al. (Genet Med. 2020). Collection method: curation. Allele origin: germline.
Comment: Missense variant in a coldspot region where missense variants are very unlikely to be pathogenic (PMID:31911673).

BRCA2 exon 11 coldspot. Reclassification based on statistical prior probability.

NM_000059.4(BRCA2):c.5011T>G (p.Phe1671Val)

Gene: BRCA2 (BRCA2 DNA repair associated; plus strand). Cytogenetic location: 13q13.1.
Variant type: single nucleotide variant.
Coding change: c.5011T>G on transcript NM_000059.4 (MANE Select); coding-DNA position 5011, T replaced by G.
Protein change: p.Phe1671Val; replaces phenylalanine 1671 with valine.
Molecular consequence: missense variant.
Genome position (GRCh38, 1-based): chr13:32,339,366, T>G. VCF-style: chr13-32339366-T-G. GRCh37 (hg19) VCF-style: chr13-32913503-T-G.
Other names: short protein forms F1671V.
Identifiers: ClinVar variation 971654 (VCV000971654.12), dbSNP rs2072518231, ClinGen allele CA387783944.